The following is an entry in ClinVar:

ClinVar aggregate classification (germline): Uncertain significance (1 of 4 stars; one submission).

Submission:

Women's Health and Genetics/Laboratory Corporation of America, LabCorp
Classification: Uncertain significance. Last evaluated: 2025-02-19. Review status: criteria provided, single submitter. Criteria: LabCorp Variant Classification Summary - May 2015. Collection method: clinical testing. Allele origin: germline.
Comment: Variant summary: GHSR c.766C>A (p.Gln256Lys) results in a conservative amino acid change in the encoded protein sequence. Three of four in-silico tools predict a benign effect of the variant on protein function. The variant allele was found at a frequency of 4e-06 in 251426 control chromosomes. The available data on variant occurrences in the general population are insufficient to allow any conclusion about variant significance. To our knowledge, no occurrence of c.766C>A in individuals affected with Short Stature Due To Growth Hormone Secretagogue Receptor Deficiency and no experimental evidence demonstrating its impact on protein function have been reported. No submitters have cited clinical-significance assessments for this variant to ClinVar. Based on the evidence outlined above, the variant was classified as uncertain significance.

NM_198407.2(GHSR):c.766C>A (p.Gln256Lys)

Gene: GHSR (growth hormone secretagogue receptor; minus strand). Cytogenetic location: 3q26.31.
Variant type: single nucleotide variant.
Coding change: c.766C>A on transcript NM_198407.2 (MANE Select); coding-DNA position 766, C replaced by A.
Protein change: p.Gln256Lys; replaces glutamine 256 with lysine.
Molecular consequence: missense variant.
Genome position (GRCh38, 1-based): chr3:172,447,648, G>T on the plus strand (C>A on the coding strand, the complement: GHSR is on the minus strand). VCF-style: chr3-172447648-G-T. GRCh37 (hg19) VCF-style: chr3-172165438-G-T.
Other names: c.766C>A, p.Gln256Lys (NM_004122.2); short protein forms Q256K.
Identifiers: ClinVar variation 3768964 (VCV003768964.1).